The following is an entry in ClinVar:

ClinVar aggregate classification (germline): Uncertain significance (1 of 4 stars; one submission).

Conditions:
Candidiasis, familial, 9 (CANDF9). Identifiers: Orphanet 1334, MedGen C4225324, MONDO:0014642, OMIM 616445.

gnomAD v4.1: 2 of 1,597,458 alleles (0.00013%); highest among the groups gnomAD compares: Non-Finnish European, 0.00017%; no homozygotes.

Submission:

Labcorp Genetics (formerly Invitae), Labcorp
Classification: Uncertain significance for Candidiasis, familial, 9. Last evaluated: 2025-11-19. Review status: criteria provided, single submitter. Criteria: Invitae Variant Classification Sherloc (09022015). Collection method: clinical testing. Allele origin: germline.
Comment: This sequence change replaces cysteine, which is neutral and slightly polar, with tyrosine, which is neutral and polar, at codon 154 of the IL17RC protein (p.Cys154Tyr). This variant is present in population databases (rs764701613, gnomAD 0.001%). This variant has not been reported in the literature in individuals affected with IL17RC-related conditions. ClinVar contains an entry for this variant (Variation ID: 3686774). An algorithm developed to predict the effect of missense changes on protein structure and function (PolyPhen-2) suggests that this variant is likely to be disruptive. In summary, the available evidence is currently insufficient to determine the role of this variant in disease. Therefore, it has been classified as a Variant of Uncertain Significance.

NM_153460.4(IL17RC):c.248G>A (p.Cys83Tyr)

Gene: IL17RC (interleukin 17 receptor C; plus strand). Cytogenetic location: 3p25.3.
Variant type: single nucleotide variant.
Coding change: c.248G>A on transcript NM_153460.4 (MANE Select); coding-DNA position 248, G replaced by A.
Protein change: p.Cys83Tyr; replaces cysteine 83 with tyrosine.
Molecular consequence: missense variant. On other transcripts: non-coding transcript variant (1).
Genome position (GRCh38, 1-based): chr3:9,918,043, G>A. VCF-style: chr3-9918043-G-A. GRCh37 (hg19) VCF-style: chr3-9959727-G-A.
Other names: c.248G>A, p.Cys83Tyr (NM_032732.6, NM_001203263.2, NM_001203264.2 and 5 more transcripts); c.461G>A, p.Cys154Tyr (NM_153461.4); short protein forms C83Y, C154Y.
Identifiers: ClinVar variation 3686774 (VCV003686774.2).
Genomic context (GRCh38, chr3:9,918,043, plus strand): 5'-CTACGCACCTGCAGACAGAGCTGGTGCTGAGGTGCCAGAAGGAGACCGACTGTGACCTCT[G>A]TCTGCGTGTGGCTGTCCACTTGGCCGTGCATGGTGAGCAAGTCATCCTGTGACAGTGCAT-3'
Protein context (NP_703190.2, residues 73-93): RCQKETDCDL[Cys83Tyr]LRVAVHLAVH